The following is an entry in ClinVar:

NM_001292063.2(OTOG):c.3264C>T (p.His1088=)

Gene: OTOG (otogelin; plus strand). Cytogenetic location: 11p15.1.
Variant type: single nucleotide variant.
Coding change: c.3264C>T on transcript NM_001292063.2 (MANE Select); coding-DNA position 3264, C replaced by T.
Protein change: p.His1088=; no amino-acid change (histidine 1088 retained).
Molecular consequence: synonymous variant.
Genome position (GRCh38, 1-based): chr11:17,593,732, C>T. VCF-style: chr11-17593732-C-T. GRCh37 (hg19) VCF-style: chr11-17615279-C-T.
Other names: c.3300C>T, p.His1100= (NM_001277269.2).
Identifiers: ClinVar variation 505305 (VCV000505305.10), dbSNP rs776482697, ClinGen allele CA5905714.
Genomic context (GRCh38, chr11:17,593,732, plus strand): 5'-ACTGGTGCATTTCCCACAGGAGCACATCACCCTCTTGTGGGACCAGAGAACCACAGTGCA[C>T]GTCCAGGCTGGGCCTCAGTGGCAGGTACTTACATGAGCAGTGACATTCTGCTCCTGCCTG-3'
Protein context (NP_001278992.1, residues 1078-1098): TLLWDQRTTV[His1088=]VQAGPQWQGQ

ClinVar aggregate classification (germline): Likely benign. Review status: criteria provided, multiple submitters, no conflicts (2 of 4 stars). 3 submissions from 3 submitters: Likely benign (3). Last evaluated 2024-03-22.

Allele frequency attached by ClinVar (database versions not stated): gnomAD exomes 0.00003 and 0.00006; ExAC 0.00007; gnomAD 0.00007; TOPMed 0.00009.
gnomAD v4.1: 89 of 1,548,602 alleles (0.0057%); highest among the groups gnomAD compares: Non-Finnish European, 0.0068%; no homozygotes.

Submissions (3):

Blueprint Genetics
Classification: Likely benign. Last evaluated: 2024-03-22. Review status: criteria provided, single submitter. Criteria: ACMG Guidelines, 2015. Collection method: clinical testing. Allele origin: germline.

Labcorp Genetics (formerly Invitae), Labcorp
Classification: Likely benign. Last evaluated: 2022-08-20. Review status: criteria provided, single submitter. Criteria: Invitae Variant Classification Sherloc (09022015). Collection method: clinical testing. Allele origin: germline.

Laboratory for Molecular Medicine, Mass General Brigham Personalized Medicine
Classification: Likely benign. Last evaluated: 2016-10-06. Review status: criteria provided, single submitter. Criteria: LMM Criteria. Collection method: clinical testing. Allele origin: germline. Observed: 1 variant allele.
Comment: p.His1100His in exon 26 of OTOG: This variant is not expected to have clinical s ignificance because it does not alter an amino acid residue and is not located w ithin the splice consensus sequence. It has been identified in 1/918 African chr omosomes by the Exome Aggregation Consortium (ExAC, rg; dbSNP rs776482697).